The following is an entry in ClinVar:

ClinVar aggregate classification (germline): Pathogenic. Review status: criteria provided, multiple submitters, no conflicts (2 of 4 stars). 2 submissions from 2 submitters: Pathogenic (2). Last evaluated 2025-07-28.

Conditions:
NDP-Related Retinopathies. Identifiers: MedGen CN381067.

Submissions (2):

Rady Children's Institute for Genomic Medicine, Rady Children's Hospital San Diego
Classification: Pathogenic for NDP-related retinopathies. Last evaluated: 2025-07-28. Review status: criteria provided, single submitter. Criteria: ACMG Guidelines, 2015. Collection method: clinical testing. Allele origin: germline. Affected: yes.
Comment: This frameshifting variant in exon 2 of 3 is predicted to result in loss of normal protein function through either protein truncation or nonsense-mediated mRNA decay. Loss-of-function variation in NDP is an established mechanism of disease (PMID: 20301506). This variant has not been previously reported or functionally characterized in the literature to our knowledge. The c.65_66del (p.Thr22ArgfsTer3) variant is absent from the latest version of the gnomAD population database and thus is presumed to be rare. Based on the available evidence, c.65_66del (p.Thr22ArgfsTer3) is classified as Pathogenic.

Labcorp Genetics (formerly Invitae), Labcorp
Classification: Pathogenic. Last evaluated: 2025-07-09. Review status: criteria provided, single submitter. Criteria: Invitae Variant Classification Sherloc (09022015). Collection method: clinical testing. Allele origin: germline.
Comment: This sequence change creates a premature translational stop signal (p.Thr22Argfs*3) in the NDP gene. It is expected to result in an absent or disrupted protein product. Loss-of-function variants in NDP are known to be pathogenic (PMID: 12040033, 17296899, 17955262, 20340138). This variant is not present in population databases (gnomAD no frequency). This variant has not been reported in the literature in individuals affected with NDP-related conditions. ClinVar contains an entry for this variant (Variation ID: 1408371). Algorithms developed to predict the effect of sequence changes on RNA splicing suggest that this variant may disrupt the consensus splice site. For these reasons, this variant has been classified as Pathogenic.

Literature cited by the submitters: PubMed 20301506 (cited by Rady Children's Institute for Genomic Medicine, Rady Children's Hospital San Diego); PubMed 12040033 (cited by Labcorp Genetics (formerly Invitae), Labcorp); PubMed 17296899 (cited by Labcorp Genetics (formerly Invitae), Labcorp); PubMed 17955262 (cited by Labcorp Genetics (formerly Invitae), Labcorp); PubMed 20340138 (cited by Labcorp Genetics (formerly Invitae), Labcorp).

NM_000266.4(NDP):c.65_66del (p.Thr22fs)

Genes: NDP (norrin cystine knot growth factor NDP; minus strand), NDP-AS1 (NDP antisense RNA 1; plus strand). Cytogenetic location: Xp11.3.
Variant type: Deletion.
Coding change: c.65_66del on transcript NM_000266.4 (MANE Select); coding-DNA positions 65 to 66, 2 bases deleted (CA; older notation c.65_66delCA).
Protein change: p.Thr22fs; shifts the reading frame from threonine 22.
Molecular consequence: frameshift variant.
Genome position (GRCh38, 1-based): chrX:43,958,580-43,958,581, TG deleted on the plus strand (CA on the coding strand, the reverse complement: NDP is on the minus strand); deleting any 2 consecutive bases within chrX:43,958,580-43,958,582 gives the same sequence; the c. name uses the placement nearest the transcript's 3' end. VCF-style (leftmost placement, unchanged base first): chrX-43958579-CTG-C. GRCh37 (hg19) VCF-style: chrX-43817825-CTG-C.
Other names: short protein forms T22fs.
Identifiers: ClinVar variation 1408371 (VCV001408371.7), dbSNP rs2147209236, ClinGen allele CA2573158871.